The following is an entry in ClinVar:

NM_003626.5(PPFIA1):c.2286C>T (p.Val762=)

Gene: PPFIA1 (PTPRF interacting protein alpha 1; plus strand). Cytogenetic location: 11q13.3.
Variant type: single nucleotide variant.
Coding change: c.2286C>T on transcript NM_003626.5 (MANE Select); coding-DNA position 2286, C replaced by T.
Protein change: p.Val762=; no amino-acid change (valine 762 retained).
Molecular consequence: synonymous variant. On other transcripts: non-coding transcript variant (1).
Genome position (GRCh38, 1-based): chr11:70,354,423, C>T. VCF-style: chr11-70354423-C-T. GRCh37 (hg19) VCF-style: chr11-70200529-C-T.
Other names: c.2391C>T, p.Val797= (NM_001378006.1); c.2286C>T, p.Val762= (NM_177423.3).
Identifiers: ClinVar variation 3059202 (VCV003059202.2), dbSNP rs17853270, ClinGen allele CA6159304.

ClinVar aggregate classification (germline): Benign (0 of 4 stars; one submission).

Conditions:
PPFIA1-related disorder. Also called: PPFIA1-related condition.

Allele frequency attached by ClinVar (database versions not stated): gnomAD exomes 0.11974; ExAC 0.12413; 1000 Genomes Project 0.13079; 1000 Genomes Project 30x 0.13585; gnomAD 0.14250; ESP Exome Variant Server 0.14690; TOPMed 0.15216.
gnomAD v4.1: 196,332 of 1,613,538 alleles (12%); highest among the groups gnomAD compares: Admixed American, 21%; 12,852 homozygotes.

Submission:

PreventionGenetics, part of Exact Sciences
Classification: Benign for PPFIA1-related condition. Last evaluated: 2019-10-30. Review status: no assertion criteria provided. Collection method: clinical testing. Allele origin: germline.
Comment: This variant is classified as benign based on ACMG/AMP sequence variant interpretation guidelines (Richards et al. 2015 PMID: 25741868, with internal and published modifications).